The following is an entry in ClinVar:

ClinVar aggregate classification (germline): Likely pathogenic (1 of 4 stars; one submission).

Conditions:
Duchenne muscular dystrophy (DMD). Also called: MUSCULAR DYSTROPHY, PSEUDOHYPERTROPHIC PROGRESSIVE, DUCHENNE TYPE; Duchenne Muscular Dystrophy (DMD). Identifiers: Orphanet 98896, MedGen C0013264, MONDO:0010679, OMIM 310200.

Submission:

Labcorp Genetics (formerly Invitae), Labcorp
Classification: Likely pathogenic for Duchenne muscular dystrophy. Last evaluated: 2019-05-01. Review status: criteria provided, single submitter. Criteria: Invitae Variant Classification Sherloc (09022015). Collection method: clinical testing. Allele origin: germline.
Comment: This sequence change affects a donor splice site in intron 67 of the DMD gene. It is expected to disrupt RNA splicing and likely results in an absent or disrupted protein product. This variant is not present in population databases (ExAC no frequency). This variant has not been reported in the literature in individuals with DMD-related conditions. Donor and acceptor splice site variants typically lead to a loss of protein function (PMID: 16199547), and loss-of-function variants in DMD are known to be pathogenic (PMID: 16770791, 25007885). In summary, the currently available evidence indicates that the variant is pathogenic, but additional data are needed to prove that conclusively. Therefore, this variant has been classified as Likely Pathogenic.

Literature cited by the submitters: PubMed 25007885; PubMed 16770791.

NM_004006.3(DMD):c.9807+2T>G

Gene: DMD (dystrophin; minus strand). Cytogenetic location: Xp21.2.
Variant type: single nucleotide variant.
Coding change: c.9807+2T>G on transcript NM_004006.3 (MANE Select); the canonical splice donor site of the intron after coding-DNA position 9807, T replaced by G.
Molecular consequence: splice donor variant.
Genome position (GRCh38, 1-based): chrX:31,203,959, A>C on the plus strand (T>G on the coding strand, the complement: DMD is on the minus strand). VCF-style: chrX-31203959-A-C. GRCh37 (hg19) VCF-style: chrX-31222076-A-C.
Other names: c.9783+2T>G (NM_000109.4); c.5784+2T>G (NM_004011.4); c.5775+2T>G (NM_004012.4); c.2427+2T>G (NM_004023.3, NM_004020.4, NM_004022.3 and 2 more transcripts); c.1620+2T>G (NM_004014.3); c.603+2T>G (NM_004018.3, NM_004017.3, NM_004016.3 and 2 more transcripts); c.9795+2T>G (NM_004009.3); c.9438+2T>G (NM_004010.3).
Identifiers: ClinVar variation 951643 (VCV000951643.1), dbSNP rs2043792360, ClinGen allele CA412648331.